The following is an entry in ClinVar:

ClinVar aggregate classification (germline): Likely pathogenic (1 of 4 stars; one submission).

Conditions:
Trimethylaminuria (TMAU). Also called: FISH-ODOR SYNDROME; Fish malodor syndrome; Stale fish syndrome; TMAuria; Primary Trimethylaminuria. Identifiers: MedGen C0342739, MONDO:0011182, OMIM 602079, HP:0003614. Disease mechanism: loss of function.

Submission:

Myriad Genetics, Inc.
Classification: Likely pathogenic for Trimethylaminuria. Last evaluated: 2025-04-21. Review status: criteria provided, single submitter. Criteria: Myriad Autosomal Dominant, Autosomal Recessive and X-Linked Classification Criteria (2023). Collection method: clinical testing. Allele origin: unknown.
Comment: NM_001002294.2(FMO3):c.3G>A(M1?) is an initiation codon variant classified as likely pathogenic in the context of primary trimethylaminuria. M1? has not been observed in cases with relevant disease. Relevant functional assessments of this variant are not available in the literature. Internal structural analysis of the variant is supportive of pathogenicity. M1? has not been observed in referenced population frequency databases. In summary, NM_001002294.2(FMO3):c.3G>A(M1?) is an initiation codon variant that has internal structural support for pathogenicity and has been observed more frequently in cases with the relevant disease than in healthy populations. Please note: this variant was assessed in the context of healthy population screening.

NM_001002294.3(FMO3):c.3G>A (p.Met1Ile)

Gene: FMO3 (flavin containing dimethylaniline monoxygenase 3; plus strand). Cytogenetic location: 1q24.3.
Variant type: single nucleotide variant.
Coding change: c.3G>A on transcript NM_001002294.3 (MANE Select); coding-DNA position 3, G replaced by A.
Protein change: p.Met1Ile; changes the start codon (methionine 1).
Molecular consequence: missense variant, initiator codon variant. On other transcripts: 5 prime UTR variant (1).
Genome position (GRCh38, 1-based): chr1:171,092,661, G>A. VCF-style: chr1-171092661-G-A. GRCh37 (hg19) VCF-style: chr1-171061802-G-A.
Other names: c.-185G>A (NM_001319173.2); c.3G>A, p.Met1Ile (NM_001319174.2, NM_006894.6); short protein forms M1I.
Identifiers: ClinVar variation 4081684 (VCV004081684.1).